The following is an entry in ClinVar:

NM_201596.3(CACNB2):c.1516C>T (p.Arg506Cys)

Gene: CACNB2 (calcium voltage-gated channel auxiliary subunit beta 2; plus strand). Cytogenetic location: 10p12.31.
Variant type: single nucleotide variant.
Coding change: c.1516C>T on transcript NM_201596.3 (MANE Select); coding-DNA position 1516, C replaced by T.
Protein change: p.Arg506Cys; replaces arginine 506 with cysteine.
Molecular consequence: missense variant.
Genome position (GRCh38, 1-based): chr10:18,539,257, C>T. VCF-style: chr10-18539257-C-T. GRCh37 (hg19) VCF-style: chr10-18828186-C-T.
Other names: c.1351C>T, p.Arg451Cys (NM_000724.4); c.1318C>T, p.Arg440Cys (NM_001167945.2); c.1237C>T, p.Arg413Cys (NM_001330060.2); c.1372C>T, p.Arg458Cys (NM_201570.3); c.1432C>T, p.Arg478Cys (NM_201571.4); c.1360C>T, p.Arg454Cys (NM_201572.4); c.1354C>T, p.Arg452Cys (NM_201590.3); c.1402C>T, p.Arg468Cys (NM_201593.3); and 1 more; short protein forms R506C, R452C, R440C, R413C, R451C, R468C, R482C, R454C.
Identifiers: ClinVar variation 299563 (VCV000299563.5), dbSNP rs111250176, ClinGen allele CA5430082.

ClinVar aggregate classification (germline): Uncertain significance. Review status: criteria provided, multiple submitters, no conflicts (2 of 4 stars). 3 submissions from 3 submitters: Uncertain significance (3). Last evaluated 2025-04-24.

Conditions:
Brugada syndrome 4 (BRGDA4). Identifiers: Orphanet 130, MedGen C2678477, MONDO:0012743, OMIM 611876.
Cardiovascular phenotype. Identifiers: MedGen CN230736.

Allele frequency attached by ClinVar (database versions not stated): TOPMed 0.00002; ExAC 0.00003; gnomAD exomes 0.00004; ESP Exome Variant Server 0.00015.
gnomAD v4.1: 57 of 1,613,870 alleles (0.0035%); highest among the groups gnomAD compares: Middle Eastern, 0.049%; no homozygotes.

Submissions (3):

Labcorp Genetics (formerly Invitae), Labcorp
Classification: Uncertain significance for Brugada syndrome 4. Last evaluated: 2025-04-24. Review status: criteria provided, single submitter. Criteria: Invitae Variant Classification Sherloc (09022015). Collection method: clinical testing. Allele origin: germline.
Comment: This sequence change replaces arginine, which is basic and polar, with cysteine, which is neutral and slightly polar, at codon 452 of the CACNB2 protein (p.Arg452Cys). This variant is present in population databases (rs111250176, gnomAD 0.03%). This missense change has been observed in individual(s) with sudden unexplained death (PMID: 27707468). ClinVar contains an entry for this variant (Variation ID: 299563). Invitae Evidence Modeling of protein sequence and biophysical properties (such as structural, functional, and spatial information, amino acid conservation, physicochemical variation, residue mobility, and thermodynamic stability) indicates that this missense variant is not expected to disrupt CACNB2 protein function with a negative predictive value of 80%. In summary, the available evidence is currently insufficient to determine the role of this variant in disease. Therefore, it has been classified as a Variant of Uncertain Significance.

Ambry Genetics
Classification: Uncertain significance for Cardiovascular phenotype. Last evaluated: 2024-11-19. Review status: criteria provided, single submitter. Criteria: Ambry Variant Classification Scheme 2023. Collection method: clinical testing. Allele origin: germline.
Comment: The p.R452C variant (also known as c.1354C>T), located in coding exon 13 of the CACNB2 gene, results from a C to T substitution at nucleotide position 1354. The arginine at codon 452 is replaced by cysteine, an amino acid with highly dissimilar properties. This amino acid position is not well conserved in available vertebrate species. In addition, the in silico prediction for this alteration is inconclusive. The evidence for this gene-disease relationship is limited; therefore, the clinical significance of this alteration is unclear.

Fulgent Genetics
Classification: Uncertain significance for Brugada syndrome 4. Last evaluated: 2021-09-21. Review status: criteria provided, single submitter. Criteria: ACMG Guidelines, 2015. Collection method: clinical testing. Allele origin: unknown.

Literature cited by the submitters: PubMed 27707468 (cited by Labcorp Genetics (formerly Invitae), Labcorp).